The following is an entry in ClinVar:

NM_006005.3(WFS1):c.713-1317A>T

Gene: WFS1 (wolframin ER transmembrane glycoprotein; plus strand). Cytogenetic location: 4p16.1.
Variant type: single nucleotide variant.
Coding change: c.713-1317A>T on transcript NM_006005.3 (MANE Select); 1317 bases into the intron before coding-DNA position 713, A replaced by T.
Molecular consequence: intron variant.
Genome position (GRCh38, 1-based): chr4:6,293,724, A>T. VCF-style: chr4-6293724-A-T. GRCh37 (hg19) VCF-style: chr4-6295451-A-T.
Other names: c.713-1317A>T (NM_001145853.1).
Identifiers: ClinVar variation 1810359 (VCV001810359.1), dbSNP rs10937720, ClinGen allele CA797129726.

ClinVar aggregate classification (germline): Benign (1 of 4 stars; one submission).

Conditions:
Wolfram syndrome 1 (WFS1). Identifiers: Orphanet 3463, MedGen C4551693, MONDO:0009101, OMIM 222300.

Submission:

Clinical Genomics, Uppaluri K&H Personalized Medicine Clinic
Classification: Benign for Wolfram syndrome 1. Review status: criteria provided, single submitter. Criteria: K & H Uppaluri Personalized Medicine Clinic Variant Classification & Assertion Criteria_Updated V.1. Collection method: research. Allele origin: unknown. Inheritance: Autosomal recessive inheritance.
Comment: Potent mutations in WFS1 gene are associated with Wolfram's syndrome, an autosomal recessive condition, which cause diabetes mellitus, diabetes insipidus, deafness and optic atrophy. However no sufficient evidence is found to ascertain the role of this particular variant rs10937720 in Wolfram's syndrome yet.

Literature cited by the submitters: PubMed 20738327; PubMed 33879153; PubMed 12955714; PubMed 18060660; PubMed 20301750; PubMed 17603484.